The following is an entry in ClinVar:

NM_000256.3(MYBPC3):c.2645_2646del (p.Val881_Ser882insTer)

Gene: MYBPC3 (myosin binding protein C3; minus strand). Cytogenetic location: 11p11.2.
Variant type: Microsatellite.
Coding change: c.2645_2646del on transcript NM_000256.3 (MANE Select); coding-DNA positions 2645 to 2646, 2 bases deleted (CT; older notation c.2645_2646delCT).
Protein change: p.Val881_Ser882insTer.
Molecular consequence: nonsense.
Genome position (GRCh38, 1-based): chr11:47,335,968-47,335,969, AG deleted on the plus strand (CT on the coding strand, the reverse complement: MYBPC3 is on the minus strand); deleting any 2 consecutive bases within chr11:47,335,968-47,335,972 gives the same sequence; the c. name uses the placement nearest the transcript's 3' end. VCF-style (leftmost placement, unchanged base first): chr11-47335967-CAG-C. GRCh37 (hg19) VCF-style: chr11-47357518-CAG-C.
Identifiers: ClinVar variation 2055757 (VCV002055757.4), dbSNP rs2495746502, ClinGen allele CA2580615694.

ClinVar aggregate classification (germline): Pathogenic (1 of 4 stars; one submission).

Conditions:
Hypertrophic cardiomyopathy. Also called: HYPERTROPHIC MYOCARDIOPATHY. Identifiers: Orphanet 217569, MedGen C0007194, MeSH D002312, MONDO:0005045, HP:0001639.

Submission:

Labcorp Genetics (formerly Invitae), Labcorp
Classification: Pathogenic for Hypertrophic cardiomyopathy. Last evaluated: 2023-12-18. Review status: criteria provided, single submitter. Criteria: Invitae Variant Classification Sherloc (09022015). Collection method: clinical testing. Allele origin: germline.
Comment: This sequence change creates a premature translational stop signal (p.Ser882*) in the MYBPC3 gene. It is expected to result in an absent or disrupted protein product. Loss-of-function variants in MYBPC3 are known to be pathogenic (PMID: 19574547). This variant is not present in population databases (gnomAD no frequency). This variant has not been reported in the literature in individuals affected with MYBPC3-related conditions. ClinVar contains an entry for this variant (Variation ID: 2055757). For these reasons, this variant has been classified as Pathogenic.

Literature cited by the submitters: PubMed 19574547.